The following is an entry in ClinVar:

ClinVar aggregate classification (germline): Uncertain significance (1 of 4 stars; one submission).

Conditions:
Inborn genetic diseases. Identifiers: MedGen C0950123, MeSH D030342.

gnomAD v4.1: 5 of 1,614,132 alleles (0.00031%); highest among the groups gnomAD compares: Non-Finnish European, 0.00042%; no homozygotes.

Submission:

Ambry Genetics
Classification: Uncertain significance for Inborn genetic diseases. Last evaluated: 2025-05-25. Review status: criteria provided, single submitter. Criteria: Ambry Variant Classification Scheme 2023. Collection method: clinical testing. Allele origin: germline.
Comment: The p.V814L variant (also known as c.2440G>C), located in coding exon 26 of the FANCA gene, results from a G to C substitution at nucleotide position 2440. The valine at codon 814 is replaced by leucine, an amino acid with highly similar properties. This amino acid position is conserved. In addition, this alteration is predicted to be tolerated by in silico analysis. Based on the available evidence, the clinical significance of this variant remains unclear.

NM_000135.4(FANCA):c.2440G>C (p.Val814Leu)

Gene: FANCA (FA complementation group A; minus strand). Cytogenetic location: 16q24.3.
Variant type: single nucleotide variant.
Coding change: c.2440G>C on transcript NM_000135.4 (MANE Select); coding-DNA position 2440, G replaced by C.
Protein change: p.Val814Leu; replaces valine 814 with leucine.
Molecular consequence: missense variant.
Genome position (GRCh38, 1-based): chr16:89,769,901, C>G on the plus strand (G>C on the coding strand, the complement: FANCA is on the minus strand). VCF-style: chr16-89769901-C-G. GRCh37 (hg19) VCF-style: chr16-89836309-C-G.
Other names: c.2440G>C, p.Val814Leu (NM_001286167.3); short protein forms V814L.
Identifiers: ClinVar variation 4022312 (VCV004022312.1).